The following is an entry in ClinVar:

NM_001351132.2(PEX5):c.1852G>A (p.Asp618Asn)

Gene: PEX5 (peroxisomal biogenesis factor 5; plus strand). Cytogenetic location: 12p13.31.
Variant type: single nucleotide variant.
Coding change: c.1852G>A on transcript NM_001351132.2 (MANE Select); coding-DNA position 1852, G replaced by A.
Protein change: p.Asp618Asn; replaces aspartic acid 618 with asparagine.
Molecular consequence: missense variant.
Genome position (GRCh38, 1-based): chr12:7,210,155, G>A. VCF-style: chr12-7210155-G-A. GRCh37 (hg19) VCF-style: chr12-7362751-G-A.
Other names: c.1852G>A (NM_001131025.1); c.1828G>A, p.Asp610Asn (NM_000319.5); c.1897G>A, p.Asp633Asn (NM_001131023.2); c.1741G>A, p.Asp581Asn (NM_001131024.2, NM_001351124.3, NM_001351126.2 and 7 more transcripts); c.1852G>A, p.Asp618Asn (NM_001131025.2, NM_001131026.2, NM_001300789.3 and 4 more transcripts); c.1786G>A, p.Asp596Asn (NM_001351135.3, NM_001351138.2); c.1843G>A, p.Asp615Asn (NM_001351136.2); c.1717G>A, p.Asp573Asn (NM_001351139.2, NM_001351140.2, NM_001374649.2); short protein forms D633N, D596N, D581N, D610N, D618N, D573N, D615N.
Identifiers: ClinVar variation 2052074 (VCV002052074.2), dbSNP rs377482928, ClinGen allele CA6426605.
Genomic context (GRCh38, chr12:7,210,155, plus strand): 5'-GCCATGTCGGAGAACATCTGGAGCACCCTGCGTTTGGCATTGTCTATGTTAGGCCAGAGC[G>A]ATGCCTATGGGGCAGCCGACGCGCGGGATCTGTCCACCCTCCTAACTATGTTTGGCCTGC-3'
Protein context (NP_001338061.1, residues 608-628): RLALSMLGQS[Asp618Asn]AYGAADARDL

ClinVar aggregate classification (germline): Uncertain significance. Review status: criteria provided, multiple submitters, no conflicts (2 of 4 stars). 2 submissions from 2 submitters: Uncertain significance (2). Last evaluated 2025-09-22.

Conditions:
Inborn genetic diseases. Identifiers: MedGen C0950123, MeSH D030342.
Peroxisome biogenesis disorder 2B (PBD2B). Identifiers: Orphanet 44, MedGen C3550234, MONDO:0008736, OMIM 202370.

Allele frequency attached by ClinVar (database versions not stated): ExAC 0.00003; ESP Exome Variant Server 0.00008; TOPMed 0.00003.
gnomAD v4.1: 12 of 1,614,104 alleles (0.00074%); highest among the groups gnomAD compares: African/African-American, 0.0067%; no homozygotes.

Submissions (2):

Ambry Genetics
Classification: Uncertain significance for Inborn genetic diseases. Last evaluated: 2025-09-22. Review status: criteria provided, single submitter. Criteria: Ambry Variant Classification Scheme 2023. Collection method: clinical testing. Allele origin: germline.

Labcorp Genetics (formerly Invitae), Labcorp
Classification: Uncertain significance for Peroxisome biogenesis disorder 2B. Last evaluated: 2022-03-12. Review status: criteria provided, single submitter. Criteria: Invitae Variant Classification Sherloc (09022015). Collection method: clinical testing. Allele origin: germline.
Comment: This sequence change replaces aspartic acid, which is acidic and polar, with asparagine, which is neutral and polar, at codon 618 of the PEX5 protein (p.Asp618Asn). This variant is present in population databases (rs377482928, gnomAD 0.008%). This variant has not been reported in the literature in individuals affected with PEX5-related conditions. Algorithms developed to predict the effect of missense changes on protein structure and function output the following: SIFT: "Tolerated"; PolyPhen-2: "Benign"; Align-GVGD: "Class C0". The asparagine amino acid residue is found in multiple mammalian species, which suggests that this missense change does not adversely affect protein function. In summary, the available evidence is currently insufficient to determine the role of this variant in disease. Therefore, it has been classified as a Variant of Uncertain Significance.